The following is an entry in ClinVar:

NM_004656.4(BAP1):c.4A>T (p.Asn2Tyr)

Gene: BAP1 (BRCA1 associated deubiquitinase 1; minus strand). Cytogenetic location: 3p21.1.
Variant type: single nucleotide variant.
Coding change: c.4A>T on transcript NM_004656.4 (MANE Select); coding-DNA position 4, A replaced by T.
Protein change: p.Asn2Tyr; replaces asparagine 2 with tyrosine.
Molecular consequence: missense variant.
Genome position (GRCh38, 1-based): chr3:52,409,875, T>A on the plus strand (A>T on the coding strand, the complement: BAP1 is on the minus strand). VCF-style: chr3-52409875-T-A. GRCh37 (hg19) VCF-style: chr3-52443891-T-A.
Other names: c.4A>T, p.Asn2Tyr (NM_001410772.1); short protein forms N2Y.
Identifiers: ClinVar variation 2679909 (VCV002679909.4), dbSNP rs2471367939, ClinGen allele CA353115175.
Genomic context (GRCh38, chr3:52,409,875, plus strand): 5'-CCCTGGCCCTCCCGGTCCCCTCCTCACCTGGGTCGCTCTCCAGCTCCAGCCAGCCCTTAT[T>A]CATCTTCCCGCGGGGCGGCCCCTCAGCGCCATGTCCAGGCCCTCCCTCCCCACCGCTGCC-3'
Protein context (NP_004647.1, residues 1-12): M[Asn2Tyr]KGWLELESDP

ClinVar aggregate classification (germline): Uncertain significance. Review status: criteria provided, multiple submitters, no conflicts (2 of 4 stars). 2 submissions from 2 submitters: Uncertain significance (2). Last evaluated 2023-07-26.

Conditions:
BAP1-related tumor predisposition syndrome (TPDS1). Also called: Tumor susceptibility linked to germline BAP1 mutations; BAP1 tumor predisposition syndrome; COMMON Syndrome; TUMOR PREDISPOSITION SYNDROME 1. Identifiers: Orphanet 289539, MedGen C3280492, MONDO:0013692, OMIM 614327.

Submissions (2):

Labcorp Genetics (formerly Invitae), Labcorp
Classification: Uncertain significance for BAP1-related tumor predisposition syndrome. Last evaluated: 2023-07-26. Review status: criteria provided, single submitter. Criteria: Invitae Variant Classification Sherloc (09022015). Collection method: clinical testing. Allele origin: germline.
Comment: An algorithm developed to predict the effect of missense changes on protein structure and function (PolyPhen-2) suggests that this variant is likely to be disruptive. This sequence change replaces asparagine, which is neutral and polar, with tyrosine, which is neutral and polar, at codon 2 of the BAP1 protein (p.Asn2Tyr). This variant is not present in population databases (gnomAD no frequency). This variant has not been reported in the literature in individuals affected with BAP1-related conditions. In summary, the available evidence is currently insufficient to determine the role of this variant in disease. Therefore, it has been classified as a Variant of Uncertain Significance.

Baylor Genetics
Classification: Uncertain significance for BAP1-related tumor predisposition syndrome. Last evaluated: 2023-05-01. Review status: criteria provided, single submitter. Criteria: ACMG Guidelines, 2015. Collection method: clinical testing. Allele origin: unknown.